The following is an entry in ClinVar:

ClinVar aggregate classification (germline): Uncertain significance (1 of 4 stars; one submission).

Submission:

Labcorp Genetics (formerly Invitae), Labcorp
Classification: Uncertain significance. Last evaluated: 2022-02-06. Review status: criteria provided, single submitter. Criteria: Invitae Variant Classification Sherloc (09022015). Collection method: clinical testing. Allele origin: germline.
Comment: This sequence change replaces leucine, which is neutral and non-polar, with histidine, which is basic and polar, at codon 428 of the TUBA1A protein (p.Leu428His). This variant is not present in population databases (gnomAD no frequency). This variant has not been reported in the literature in individuals affected with TUBA1A-related conditions. Algorithms developed to predict the effect of missense changes on protein structure and function (SIFT, PolyPhen-2, Align-GVGD) all suggest that this variant is likely to be disruptive. In summary, the available evidence is currently insufficient to determine the role of this variant in disease. Therefore, it has been classified as a Variant of Uncertain Significance.

NM_006009.4(TUBA1A):c.1283T>A (p.Leu428His)

Gene: TUBA1A (tubulin alpha 1a; minus strand). Cytogenetic location: 12q13.12.
Variant type: single nucleotide variant.
Coding change: c.1283T>A on transcript NM_006009.4 (MANE Select); coding-DNA position 1283, T replaced by A.
Protein change: p.Leu428His; replaces leucine 428 with histidine.
Molecular consequence: missense variant.
Genome position (GRCh38, 1-based): chr12:49,185,083, A>T on the plus strand (T>A on the coding strand, the complement: TUBA1A is on the minus strand). VCF-style: chr12-49185083-A-T. GRCh37 (hg19) VCF-style: chr12-49578866-A-T.
Other names: c.1283T>A, p.Leu428His (NM_001270399.2); c.1178T>A, p.Leu393His (NM_001270400.2); short protein forms L393H, L428H.
Identifiers: ClinVar variation 2094235 (VCV002094235.4), dbSNP rs2498858758, ClinGen allele CA384633625.
Genomic context (GRCh38, chr12:49,185,083, plus strand): 5'-CCTTCTTCCTCACCCTCTCCTTCAACAGAATCCACACCAACCTCCTCATAATCCTTCTCA[A>T]GGGCAGCCATGTCCTCACGGGCCTCTGAAAACTCACCTTCCTCCATCCCCTCCCCAACGT-3'
Protein context (NP_006000.2, residues 418-438): FSEAREDMAA[Leu428His]EKDYEEVGVD